The following is an entry in ClinVar:

NM_006440.5(TXNRD2):c.529-5C>T

Gene: TXNRD2 (thioredoxin reductase 2; minus strand). Cytogenetic location: 22q11.21.
Variant type: single nucleotide variant.
Coding change: c.529-5C>T on transcript NM_006440.5 (MANE Select); 5 bases into the intron before coding-DNA position 529, C replaced by T.
Molecular consequence: intron variant.
Genome position (GRCh38, 1-based): chr22:19,915,281, G>A on the plus strand (C>T on the coding strand, the complement: TXNRD2 is on the minus strand). VCF-style: chr22-19915281-G-A. GRCh37 (hg19) VCF-style: chr22-19902804-G-A.
Other names: c.526-5C>T (NM_001352300.2); c.241-5C>T (NM_001352302.2); c.439-5C>T (NM_001352301.2); c.529-5C>T (NM_001282512.3); c.433-5C>T (NM_001352303.2).
Identifiers: ClinVar variation 264485 (VCV000264485.13), dbSNP rs766288973, ClinGen allele CA10104138.
Genomic context (GRCh38, chr22:19,915,281, plus strand): 5'-GGGTATCTCGGCCGCCCTCCAGTAGCAATGATGATGTGATCGGCTGACAGCAGAATCTGA[G>A]GAGAAAAAGAGAAAGCCGTGGGTCAGACAGGTGCATGGTGATCACCCCACCGGAGGGCCT-3'

ClinVar aggregate classification (germline): Conflicting classifications of pathogenicity. Review status: criteria provided, conflicting classifications (1 of 4 stars). 2 submissions from 2 submitters: Uncertain significance (1); Likely benign (1). Last evaluated 2025-10-01.

Conditions:
Cardiovascular phenotype. Identifiers: MedGen CN230736.
Primary dilated cardiomyopathy (DCM). Also called: Dilated Cardiomyopathy. Identifiers: Orphanet 217604, MedGen C0007193, MeSH D002311, MONDO:0005021, HP:0001644. Inheritance: Various modes of inheritance.

Allele frequency attached by ClinVar (database versions not stated): ExAC 0.00002; gnomAD 0.00002; gnomAD exomes 0.00002; TOPMed 0.00003.
gnomAD v4.1: 55 of 1,613,238 alleles (0.0034%); highest among the groups gnomAD compares: Admixed American, 0.005%; no homozygotes.

Submissions (2):

Labcorp Genetics (formerly Invitae), Labcorp
Classification: Likely benign for Primary dilated cardiomyopathy. Last evaluated: 2025-10-01. Review status: criteria provided, single submitter. Criteria: Invitae Variant Classification Sherloc (09022015). Collection method: clinical testing. Allele origin: germline.

Ambry Genetics
Classification: Uncertain significance for Cardiovascular phenotype. Last evaluated: 2023-10-05. Review status: criteria provided, single submitter. Criteria: Ambry Variant Classification Scheme 2023. Collection method: clinical testing. Allele origin: germline.
Comment: The c.529-5C>T intronic variant results from a C to T substitution 5 nucleotides upstream from coding exon 7 in the TXNRD2 gene. This nucleotide position is not well conserved in available vertebrate species. In silico splice site analysis predicts that this alteration will not have any significant effect on splicing. The evidence for this gene-disease relationship is limited; therefore, the clinical significance of this alteration is unclear.